The following is an entry in ClinVar:

ClinVar aggregate classification (germline): Pathogenic (1 of 4 stars; one submission).

Conditions:
Familial cancer of breast. Also called: BREAST CANCER, FAMILIAL; Hereditary breast cancer; hereditary breast carcinoma. Identifiers: Orphanet 227535, MedGen C0346153, MONDO:0016419, OMIM 114480. Disease mechanism: loss of function.

Submission:

Labcorp Genetics (formerly Invitae), Labcorp
Classification: Pathogenic for Familial cancer of breast. Last evaluated: 2023-08-11. Review status: criteria provided, single submitter. Criteria: Invitae Variant Classification Sherloc (09022015). Collection method: clinical testing. Allele origin: unknown.
Comment: This variant has not been reported in the literature in individuals affected with BARD1-related conditions. This variant results in the deletion of exon 9 and part of exon 8 (c.1725_1903+1208del) of the BARD1 gene. It is expected to disrupt RNA splicing. Variants that disrupt the donor or acceptor splice site typically lead to a loss of protein function (PMID: 16199547), and loss-of-function variants in BARD1 are known to be pathogenic (PMID: 20077502, 21344236). ClinVar contains an entry for this variant (Variation ID: 571479). For these reasons, this variant has been classified as Pathogenic.

Literature cited by the submitters: PubMed 16199547; PubMed 20077502; PubMed 21344236.

NC_000002.11:g.(?_215608583)_(215610531_?)del

Gene: BARD1 (BRCA1 associated RING domain 1; minus strand). Cytogenetic location: 2q35.
Variant type: Deletion.
Identifiers: ClinVar variation 3247186 (VCV003247186.1).